The following is an entry in ClinVar:

NM_001040108.2(MLH3):c.3952A>G (p.Arg1318Gly)

Gene: MLH3 (mutL homolog 3; minus strand). Cytogenetic location: 14q24.3.
Variant type: single nucleotide variant.
Coding change: c.3952A>G on transcript NM_001040108.2 (MANE Select); coding-DNA position 3952, A replaced by G.
Protein change: p.Arg1318Gly; replaces arginine 1318 with glycine.
Molecular consequence: missense variant.
Genome position (GRCh38, 1-based): chr14:75,030,578, T>C on the plus strand (A>G on the coding strand, the complement: MLH3 is on the minus strand). VCF-style: chr14-75030578-T-C. GRCh37 (hg19) VCF-style: chr14-75497281-T-C.
Other names: c.3880A>G, p.Arg1294Gly (NM_014381.3); short protein forms R1294G, R1318G.
Identifiers: ClinVar variation 5024578 (VCV005024578.1).

ClinVar aggregate classification (germline): Uncertain significance (1 of 4 stars; one submission).

Submission:

Ambry Genetics
Classification: Uncertain significance. Last evaluated: 2026-06-25. Review status: criteria provided, single submitter. Criteria: Ambry Variant Classification Scheme 2023. Collection method: clinical testing. Allele origin: germline.
Comment: The p.R1318G variant (also known as c.3952A>G), located in coding exon 8 of the MLH3 gene, results from an A to G substitution at nucleotide position 3952. The arginine at codon 1318 is replaced by glycine, an amino acid with dissimilar properties. This amino acid position is conserved. In addition, this alteration is predicted to be deleterious by in silico analysis. Based on the available evidence, the clinical significance of this variant remains unclear.